The following is an entry in ClinVar:

NM_001365951.3(KIF1B):c.3935G>A (p.Arg1312His)

Gene: KIF1B (kinesin family member 1B; plus strand). Cytogenetic location: 1p36.22.
Variant type: single nucleotide variant.
Coding change: c.3935G>A on transcript NM_001365951.3 (MANE Select); coding-DNA position 3935, G replaced by A.
Protein change: p.Arg1312His; replaces arginine 1312 with histidine.
Molecular consequence: missense variant.
Genome position (GRCh38, 1-based): chr1:10,348,719, G>A. VCF-style: chr1-10348719-G-A. GRCh37 (hg19) VCF-style: chr1-10408777-G-A.
Other names: c.3935G>A, p.Arg1312His (NM_001365952.1); c.3797G>A, p.Arg1266His (NM_015074.3); short protein forms R1266H, R1312H.
Identifiers: ClinVar variation 858286 (VCV000858286.12), dbSNP rs766432835, ClinGen allele CA581923.

ClinVar aggregate classification (germline): Uncertain significance. Review status: criteria provided, multiple submitters, no conflicts (2 of 4 stars). 2 submissions from 2 submitters: Uncertain significance (2). Last evaluated 2023-07-14.

Conditions:
Charcot-Marie-Tooth disease type 2. Also called: Charcot-Marie-Tooth type 2. Identifiers: Orphanet 64746, MedGen C0270914, MONDO:0018993.

Allele frequency attached by ClinVar (database versions not stated): ExAC 0.00002; gnomAD exomes 0.00001.
gnomAD v4.1: 9 of 1,613,626 alleles (0.00056%); highest among the groups gnomAD compares: South Asian, 0.0011%; no homozygotes.

Submissions (2):

Labcorp Genetics (formerly Invitae), Labcorp
Classification: Uncertain significance for Charcot-Marie-Tooth disease type 2. Last evaluated: 2023-07-14. Review status: criteria provided, single submitter. Criteria: Invitae Variant Classification Sherloc (09022015). Collection method: clinical testing. Allele origin: germline.
Comment: In summary, the available evidence is currently insufficient to determine the role of this variant in disease. Therefore, it has been classified as a Variant of Uncertain Significance. An algorithm developed to predict the effect of missense changes on protein structure and function (PolyPhen-2) suggests that this variant is likely to be disruptive. ClinVar contains an entry for this variant (Variation ID: 858286). This variant has not been reported in the literature in individuals affected with KIF1B-related conditions. This variant is present in population databases (rs766432835, gnomAD 0.002%). This sequence change replaces arginine, which is basic and polar, with histidine, which is basic and polar, at codon 1266 of the KIF1B protein (p.Arg1266His).

Ambry Genetics
Classification: Uncertain significance. Last evaluated: 2022-02-28. Review status: criteria provided, single submitter. Criteria: Ambry Variant Classification Scheme 2023. Collection method: clinical testing. Allele origin: germline.
Comment: The p.R1266H variant (also known as c.3797G>A), located in coding exon 34 of the KIF1B gene, results from a G to A substitution at nucleotide position 3797. The arginine at codon 1266 is replaced by histidine, an amino acid with highly similar properties. This amino acid position is conserved. In addition, the in silico prediction for this alteration is inconclusive. Since supporting evidence is limited at this time, the clinical significance of this alteration remains unclear.